The following is an entry in ClinVar:

NM_152618.3(BBS12):c.2060_2063del (p.Asp687fs)

Gene: BBS12 (Bardet-Biedl syndrome 12; plus strand). Cytogenetic location: 4q27.
Variant type: Microsatellite.
Coding change: c.2060_2063del on transcript NM_152618.3 (MANE Select); coding-DNA positions 2060 to 2063, 4 bases deleted (ACAG; older notation c.2060_2063delACAG).
Protein change: p.Asp687fs; shifts the reading frame from aspartic acid 687.
Molecular consequence: frameshift variant.
Genome position (GRCh38, 1-based): chr4:122,743,952-122,743,955, ACAG deleted; deleting any 4 consecutive bases within chr4:122,743,945-122,743,955 gives the same sequence; the c. name uses the placement nearest the transcript's 3' end. VCF-style (leftmost placement, unchanged base first): chr4-122743944-TCAGA-T. GRCh37 (hg19) VCF-style: chr4-123665099-TCAGA-T.
Other names: c.2060_2063del, p.Asp687fs (NM_001178007.2); c.2060_2063delACAG (NM_152618.2); c.2060_2063del (NM_152618.2); short protein forms D687fs.
Identifiers: ClinVar variation 572304 (VCV000572304.10), dbSNP rs746478265, ClinGen allele CA3069558.

ClinVar aggregate classification (germline): Pathogenic/Likely pathogenic. Review status: criteria provided, multiple submitters, no conflicts (2 of 4 stars). 5 submissions from 5 submitters: Pathogenic (2); Likely pathogenic (3). Last evaluated 2025-12-30.

Conditions:
BBS12-related disorder. Also called: BBS12-related condition.
Bardet-Biedl syndrome (BBS). Identifiers: Orphanet 110, MedGen C0752166, MONDO:0015229.
Bardet-Biedl syndrome 12 (BBS12). Identifiers: Orphanet 110, MedGen C1859570, MONDO:0014440, OMIM 615989.

Submissions (5):

Natera, Inc.
Classification: Likely pathogenic for Bardet-Biedl syndrome type 12. Last evaluated: 2025-12-30. Review status: criteria provided, single submitter. Criteria: Natera Variant Classification Schema (03/2026). Collection method: clinical testing. Allele origin: germline.
Comment: The c.2060_2063delACAG variant in BBS12 is a frameshift variant predicted to shift the reading frame beginning at codon 687 and leads to a stop codon 3 codons downstream. This variant is expected to result in nonsense mediated decay, truncation, or a dysfunctional protein product. This variant is rare in the general population with a frequency below the threshold expected for the associated phenotype(s). Given the available evidence, this variant is classified as Likely Pathogenic.

PreventionGenetics, part of Exact Sciences
Classification: Likely pathogenic for BBS12-related condition. Last evaluated: 2025-10-09. Review status: criteria provided, single submitter. Criteria: ACMG Guidelines, 2015. Collection method: clinical testing. Allele origin: germline.
Comment: The BBS12 c.2060_2063delACAG variant is predicted to result in a frameshift and premature protein termination (p.Asp687Valfs*3). To our knowledge, this variant has not been reported in the literature or in a large population database (gnomAD), indicating this variant is rare. Frameshift variants in BBS12 are expected to be pathogenic. This variant is interpreted as likely pathogenic.

GeneDx
Classification: Likely pathogenic. Last evaluated: 2023-07-15. Review status: criteria provided, single submitter. Criteria: GeneDx Variant Classification Process June 2021. Collection method: clinical testing. Allele origin: germline. Affected: yes.
Comment: Frameshift variant predicted to result in protein truncation, as the last 24 amino acids are replaced with 2 different amino acids, and other loss-of-function variants have been reported downstream in HGMD; Not observed at significant frequency in large population cohorts (gnomAD); Has not been previously published as pathogenic or benign to our knowledge

Labcorp Genetics (formerly Invitae), Labcorp
Classification: Pathogenic for Bardet-Biedl syndrome. Last evaluated: 2023-03-11. Review status: criteria provided, single submitter. Criteria: Invitae Variant Classification Sherloc (09022015). Collection method: clinical testing. Allele origin: germline.
Comment: This sequence change creates a premature translational stop signal (p.Asp687Valfs*3) in the BBS12 gene. While this is not anticipated to result in nonsense mediated decay, it is expected to disrupt the last 24 amino acid(s) of the BBS12 protein. For these reasons, this variant has been classified as Pathogenic. This variant disrupts a region of the BBS12 protein in which other variant(s) (p.Ser701*) have been determined to be pathogenic (PMID: 20648243). This suggests that this is a clinically significant region of the protein, and that variants that disrupt it are likely to be disease-causing. Experimental studies and prediction algorithms are not available or were not evaluated, and the functional significance of this variant is currently unknown. ClinVar contains an entry for this variant (Variation ID: 572304). This premature translational stop signal has been observed in individual(s) with Bardet-Biedl syndrome (Invitae). This variant is present in population databases (rs746478265, gnomAD 0.003%).

Fulgent Genetics
Classification: Pathogenic for Bardet-Biedl syndrome 12. Last evaluated: 2021-06-30. Review status: criteria provided, single submitter. Criteria: ACMG Guidelines, 2015. Collection method: clinical testing. Allele origin: unknown.
Comment: This variant has been detected in individual(s) who were sent for testing of Renasight - kidney gene panel.

Literature cited by the submitters: PubMed 20648243 (cited by Labcorp Genetics (formerly Invitae), Labcorp).